The following is an entry in ClinVar:

ClinVar aggregate classification (germline): Pathogenic (1 of 4 stars; one submission).

Conditions:
Neuronal ceroid lipofuscinosis 2. Also called: TPP1-Related Neuronal Ceroid-Lipofuscinosis; JANSKY-BIELSCHOWSKY DISEASE NEURONAL CEROID LIPOFUSCINOSIS, LATE INFANTILE. Identifiers: Orphanet 168491, Orphanet 228349, Orphanet 79264, MedGen C1876161, MONDO:0008769, OMIM 204500.

Submission:

Myriad Genetics, Inc.
Classification: Pathogenic for Neuronal ceroid lipofuscinosis 2. Last evaluated: 2026-05-30. Review status: criteria provided, single submitter. Criteria: Myriad Autosomal Dominant, Autosomal Recessive and X-Linked Classification Criteria (2023). Collection method: clinical testing. Allele origin: unknown.
Comment: NM_000391.3(TPP1):c.239_243del5(L80Pfs*6) is expected to be pathogenic in the context of TPP1-related neuronal ceroid lipofuscinosis. This variant is predicted to lead to an abnormal or absent protein product due to the creation of a premature termination codon in TPP1, a gene where loss-of-function variants are known to be pathogenic. Please note: this variant was assessed in the context of healthy population screening.

NM_000391.4(TPP1):c.239_243del (p.Leu80fs)

Gene: TPP1 (tripeptidyl peptidase 1; minus strand). Cytogenetic location: 11p15.4.
Variant type: Deletion.
Coding change: c.239_243del on transcript NM_000391.4 (MANE Select); coding-DNA positions 239 to 243, 5 bases deleted (TGACC; older notation c.239_243delTGACC).
Protein change: p.Leu80fs; shifts the reading frame from leucine 80.
Molecular consequence: frameshift variant.
Genome position (GRCh38, 1-based): chr11:6,617,763-6,617,767, GGTCA deleted on the plus strand (TGACC on the coding strand, the reverse complement: TPP1 is on the minus strand); deleting any 5 consecutive bases within chr11:6,617,763-6,617,770 gives the same sequence; the c. name uses the placement nearest the transcript's 3' end. VCF-style (leftmost placement, unchanged base first): chr11-6617762-GGGTCA-G. GRCh37 (hg19) VCF-style: chr11-6638993-GGGTCA-G.
Other names: short protein forms L80fs.
Identifiers: ClinVar variation 5015976 (VCV005015976.1).